The following is an entry in ClinVar:

ClinVar aggregate classification (germline): Uncertain significance (1 of 4 stars; one submission).

Conditions:
Nemaline myopathy 2 (NEM2). Also called: Nemaline myopathy 2, autosomal recessive. Identifiers: MedGen C1850569, MONDO:0009725, OMIM 256030.

Submission:

Labcorp Genetics (formerly Invitae), Labcorp
Classification: Uncertain significance for Nemaline myopathy 2. Last evaluated: 2022-04-24. Review status: criteria provided, single submitter. Criteria: Invitae Variant Classification Sherloc (09022015). Collection method: clinical testing. Allele origin: germline.
Comment: Algorithms developed to predict the effect of missense changes on protein structure and function are either unavailable or do not agree on the potential impact of this missense change (SIFT: "Deleterious"; PolyPhen-2: "Not Available"; Align-GVGD: "Class C0"). This variant has not been reported in the literature in individuals affected with NEB-related conditions. This variant is not present in population databases (gnomAD no frequency). This sequence change replaces methionine, which is neutral and non-polar, with valine, which is neutral and non-polar, at codon 1907 of the NEB protein (p.Met1907Val). Algorithms developed to predict the effect of sequence changes on RNA splicing suggest that this variant may create or strengthen a splice site. In summary, the available evidence is currently insufficient to determine the role of this variant in disease. Therefore, it has been classified as a Variant of Uncertain Significance.

NM_001164508.2(NEB):c.5719A>G (p.Met1907Val)

Gene: NEB (nebulin; minus strand). Cytogenetic location: 2q23.3.
Variant type: single nucleotide variant.
Coding change: c.5719A>G on transcript NM_001164508.2 (MANE Select); coding-DNA position 5719, A replaced by G.
Protein change: p.Met1907Val; replaces methionine 1907 with valine.
Molecular consequence: missense variant.
Genome position (GRCh38, 1-based): chr2:151,663,592, T>C on the plus strand (A>G on the coding strand, the complement: NEB is on the minus strand). VCF-style: chr2-151663592-T-C. GRCh37 (hg19) VCF-style: chr2-152520106-T-C.
Other names: c.5719A>G, p.Met1907Val (NM_001164507.2, NM_001271208.2, NM_004543.5); short protein forms M1907V.
Identifiers: ClinVar variation 1950674 (VCV001950674.5), dbSNP rs2552256140, ClinGen allele CA348807493.